The following is an entry in ClinVar:

ClinVar aggregate classification (germline): Likely benign. Review status: criteria provided, single submitter (1 of 4 stars). 2 submissions from 2 submitters: Likely benign (1). 1 of the submissions does not count toward it. Last evaluated 2024-08-30.

Conditions:
Peroxisome biogenesis disorder. Identifiers: Orphanet 79189, MedGen C1832200, MONDO:0019234. Disease mechanism: loss of function.
PEX6-related disorder. Also called: PEX6-related disorders; PEX6-related condition.

Allele frequency attached by ClinVar (database versions not stated): gnomAD exomes below 0.00001.
gnomAD v4.1: 1 of 1,609,260 alleles (0.000062%); highest among the groups gnomAD compares: Middle Eastern, 0.017%; no homozygotes.

Submissions (2):

Labcorp Genetics (formerly Invitae), Labcorp
Classification: Likely benign for Peroxisome biogenesis disorder. Last evaluated: 2024-08-30. Review status: criteria provided, single submitter. Criteria: Invitae Variant Classification Sherloc (09022015). Collection method: clinical testing. Allele origin: germline.

PreventionGenetics, part of Exact Sciences
Classification: Likely benign for PEX6-related condition. Last evaluated: 2021-04-22. Review status: no assertion criteria provided. Collection method: clinical testing. Allele origin: germline. Not counted in ClinVar's aggregate classification.
Comment: This variant is classified as likely benign based on ACMG/AMP sequence variant interpretation guidelines (Richards et al. 2015 PMID: 25741868, with internal and published modifications).

NM_000287.4(PEX6):c.1740T>G (p.Pro580=)

Gene: PEX6 (peroxisomal biogenesis factor 6; minus strand). Cytogenetic location: 6p21.1.
Variant type: single nucleotide variant.
Coding change: c.1740T>G on transcript NM_000287.4 (MANE Select); coding-DNA position 1740, T replaced by G.
Protein change: p.Pro580=; no amino-acid change (proline 580 retained).
Molecular consequence: synonymous variant. On other transcripts: non-coding transcript variant (1).
Genome position (GRCh38, 1-based): chr6:42,967,512, A>C on the plus strand (T>G on the coding strand, the complement: PEX6 is on the minus strand). VCF-style: chr6-42967512-A-C. GRCh37 (hg19) VCF-style: chr6-42935250-A-C.
Other names: c.1476T>G, p.Pro492= (NM_001316313.2); c.1740T>G (NM_000287.3).
Identifiers: ClinVar variation 1089882 (VCV001089882.11), dbSNP rs2114242721, ClinGen allele CA450253685.